The following is an entry in ClinVar:

GRCh37/hg19 16q24.1-24.2(chr16:84555718-87910245)x1

Genes: C16orf74 (chromosome 16 open reading frame 74; minus strand), C16orf95 (chromosome 16 open reading frame 95; minus strand), CIBAR2 (CBY1 interacting BAR domain containing 2; minus strand), COTL1 (coactosin like F-actin binding protein 1; minus strand), COX4I1 (cytochrome c oxidase subunit 4I1; plus strand) and 22 more. Cytogenetic location: 16q24.1-24.2.
Variant type: copy number loss.
Change: copy number 1 (one copy instead of two) of chr16:84,555,718-87,910,245 (3.35 Mb, GRCh37 coordinates, 1-based), cytogenetic band 16q24.1-24.2.
Identifiers: ClinVar variation 2685585 (VCV002685585.1).

ClinVar aggregate classification (germline): Pathogenic (1 of 4 stars; one submission).

Submission:

Quest Diagnostics Nichols Institute San Juan Capistrano
Classification: Pathogenic. Last evaluated: 2022-10-25. Review status: criteria provided, single submitter. Criteria: ACMG/ClinGen CNV Guidelines, 2019. Collection method: clinical testing. Allele origin: unknown.
Comment: The copy number loss of 16q24.1q24.2 involves numerous protein-coding genes. Heterozygous loss-of-function variants of FOXF1 are associated with autosomal dominant congenital alveolar capillary dysplasia with misalignment of pulmonary veins (ACDMPV; OMIM 265380). There are reports of deletions that are contained within 16q24.1q24.2 in patients with variable clinical presentations (Yu 2010, Szafranski 2016, Michelson 2022). Heterozygous loss-of-function variants of FOXC2 are associated with autosomal dominant lymphedema-distichiasis syndrome (LPHDST; OMIM 153400). There are no similar copy number losses of this region in the general populations of the Database of Genomic Variants. Thus, based on current medical literature and gene content, this copy number variant (CNV) is classified as pathogenic. References: Michelson et al. Am J Med Genet A. 2022 Jul;188(7):1990-1996. PMID: 35312147 Szafranski et al. Hum Genet. 2016 May;135(5):569-586. PMID: 27071622 Yu et al. Am J Med Genet A. 2010 May;152A(5):1257-62. PMID: 20425831